The following is an entry in ClinVar:

NM_000055.2(BCHE):c.1699G>A (p.Ala567Thr)

Gene: BCHE (butyrylcholinesterase; minus strand). Cytogenetic location: 3q26.1.
Variant type: single nucleotide variant.
Coding change: c.1699G>A on transcript NM_000055.2; coding-DNA position 1699, G replaced by A.
Protein change: p.Ala567Thr; replaces alanine 567 with threonine.
Molecular consequence: missense variant (on NM_000055.4). On other transcripts: non-coding transcript variant (2).
Genome position (GRCh38, 1-based): chr3:165,773,492, C>T on the plus strand (G>A on the coding strand, the complement: BCHE is on the minus strand). VCF-style: chr3-165773492-C-T. GRCh37 (hg19) VCF-style: chr3-165491280-C-T.
Other names: A539T; BCHE*539T; K variant; CHE*539T; c.1699G>A, p.Ala567Thr (NM_000055.4); short protein forms A567T.
Identifiers: ClinVar variation 13220 (VCV000013220.45), dbSNP rs1803274, ClinGen allele CA122967.

ClinVar aggregate classification (germline): Conflicting classifications of pathogenicity. Review status: criteria provided, conflicting classifications (1 of 4 stars). 9 submissions from 9 submitters: Pathogenic (2); Benign (5); Likely benign (1). 1 of the submissions does not count toward it. Last evaluated 2026-06-22.

Conditions:
Deficiency of butyrylcholinesterase (BCHED). Also called: Butyrylcholinesterase deficiency; Deficiency of butyrylcholine esterase; Acholinesterasemia; BCHE, silent 1. Identifiers: Orphanet 132, MedGen C1283400, MONDO:0015270, OMIM 617936.
Butyrylcholinesterase activity.

Allele frequency attached by ClinVar (database versions not stated): 1000 Genomes Project 30x 0.15818; 1000 Genomes Project 0.15855; gnomAD exomes 0.17587 and 0.19525; gnomAD 0.18259 and 0.18493; TOPMed 0.18452; ExAC 0.18912.
gnomAD v4.1: 310,983 of 1,602,676 alleles (19%); highest among the groups gnomAD compares: Middle Eastern, 23%; 31,008 homozygotes.

Submissions (9):

Victorian Clinical Genetics Services, Murdoch Childrens Research Institute
Classification: Pathogenic for Deficiency of butyrylcholinesterase. Last evaluated: 2026-06-22. Review status: criteria provided, single submitter. Criteria: ACMG Guidelines, 2015. Collection method: clinical testing. Allele origin: germline. Affected: yes.
Comment: This variant is classified as Risk allele. Evidence in support of benign classification: Variant is present in gnomAD at a frequency >=0.05 (v4: 248967 heterozygote(s), 31008 homozygote(s)). Additional information: Variant is predicted to result in a missense amino acid change from Ala to Thr; This variant is homozygous; This gene is associated with autosomal recessive disease; Alternative amino acid change(s) at the same position are present in gnomAD (highest allele count: v4: 5 heterozygote(s), 0 homozygote(s)); Previous evidence of pathogenicity for this variant is inconclusive. This variant has been classified as pathogenic, likely benign and benign by clinical laboratories in ClinVar. It is referred to as the "K" or "Kalow" variant in the literature, and is usually reported in cis with p.Asp98Gly, also known as the "A" or "atypical" variant. It is reported to lead to a reduction of 30% in BChE activity and a mild prolongation of neuromuscular blockade post succinylcholine or mivacurium administration (PMIDs: 23400986, 25448037, 30600548, 33061533); Another missense variant(s) comparable to the one identified in this case has inconclusive previous evidence for pathogenicity. p.(Ala567Val) has been classified as a VUS by a clinical laboratory in ClinVar. - Variant is located in the annotated AChE_tetra domain (DECIPHER); Missense variant with inconclusive in silico prediction and/or uninformative conservation; Loss of function is a known mechanism of disease in this gene and is associated with butyrylcholinesterase deficiency (MIM#617936).

Labcorp Genetics (formerly Invitae), Labcorp
Classification: Benign. Last evaluated: 2026-01-31. Review status: criteria provided, single submitter. Criteria: Invitae Variant Classification Sherloc (09022015). Collection method: clinical testing. Allele origin: germline.

Laboratory of Genetics, Children's Clinical University Hospital Latvia
Classification: Benign. Last evaluated: 2025-02-16. Review status: criteria provided, single submitter. Criteria: ACMG Guidelines, 2015. Collection method: clinical testing. Allele origin: germline. Affected: yes.

Women's Health and Genetics/Laboratory Corporation of America, LabCorp
Classification: Benign. Last evaluated: 2023-02-15. Review status: criteria provided, single submitter. Criteria: LabCorp Variant Classification Summary - May 2015. Collection method: clinical testing. Allele origin: germline.
Comment: Variant summary: BCHE c.1699G>A (p.Ala567Thr) results in a non-conservative amino acid change in the encoded protein sequence. Two of three in-silico tools predict a benign effect of the variant on protein function. The variant allele was found at a frequency of 0.18 in 246726 control chromosomes in the gnomAD database, including 4056 homozygotes. The observed variant frequency is approximately 11.12 fold of the estimated maximal expected allele frequency for a pathogenic variant in BCHE causing Deficiency Of Butyrylcholine Esterase phenotype (0.016), indicating the variant is benign. Three clinical diagnostic laboratories have submitted clinical-significance assessments for this variant to ClinVar after 2014 without evidence for independent evaluation. Two submitters classified the variant as benign while one classified the variant as pathogenic. Based on the evidence outlined above, the variant was classified as benign.

GeneDx
Classification: Benign. Last evaluated: 2021-08-03. Review status: criteria provided, single submitter. Criteria: GeneDx Variant Classification Process June 2021. Collection method: clinical testing. Allele origin: germline. Affected: yes.
Comment: See Variant Classification Assertion Criteria.

CeGaT Center for Human Genetics Tuebingen
Classification: Pathogenic. Last evaluated: 2019-09-01. Review status: criteria provided, single submitter. Criteria: CeGaT Center For Human Genetics Tuebingen Variant Classification Criteria Version 2. Collection method: clinical testing. Allele origin: germline. Affected: yes. Observed: 1 variant allele.

Illumina Laboratory Services, Illumina
Classification: Benign for Deficiency of butyrylcholinesterase. Last evaluated: 2018-03-06. Review status: criteria provided, single submitter. Criteria: ICSL Variant Classification Criteria 13 December 2019. Collection method: clinical testing. Allele origin: germline.
Comment: This variant was observed in the ICSL laboratory as part of a predisposition screen in an ostensibly healthy population. It had not been previously curated by ICSL or reported in the Human Gene Mutation Database (HGMD: prior to June 1st, 2018), and was therefore a candidate for classification through an automated scoring system. Utilizing variant allele frequency, disease prevalence and penetrance estimates, and inheritance mode, an automated score was calculated to assess if this variant is too frequent to cause the disease. Based on the score and internal cut-off values, a variant classified as benign is not then subjected to further curation. The score for this variant resulted in a classification of benign for this disease.

Breakthrough Genomics
Classification: Likely benign. Review status: criteria provided, single submitter. Criteria: ACMG Guidelines, 2015. Collection method: not provided. Allele origin: germline. Inheritance: Autosomal recessive inheritance. Affected: yes.

OMIM
Classification: Benign for BCHE, K VARIANT. Last evaluated: 2023-07-21. Review status: no assertion criteria provided. Collection method: literature only. Allele origin: germline. Not counted in ClinVar's aggregate classification.

Literature cited by the submitters: PubMed 30600548 (cited by Victorian Clinical Genetics Services, Murdoch Childrens Research Institute); PubMed 33061533 (cited by Victorian Clinical Genetics Services, Murdoch Childrens Research Institute); PubMed 25448037 (cited by Victorian Clinical Genetics Services, Murdoch Childrens Research Institute); PubMed 23400986 (cited by Victorian Clinical Genetics Services, Murdoch Childrens Research Institute); PubMed 416211 (cited by OMIM); PubMed 1349196 (cited by OMIM); Whittaker, M. Pseudocholinesterase variants: a study of fourteen families selected via the fluoride resistant phenotype. Acta Genet. (Basel) 17: 1-12, 1967. (cited by OMIM); PubMed 6716425 (cited by OMIM); PubMed 9302273 (cited by OMIM); PubMed 10190327 (cited by OMIM); PubMed 10699053 (cited by OMIM).